The following is an entry in ClinVar:

NM_001372106.1(DNAH10):c.11766+6C>T

Gene: DNAH10 (dynein axonemal heavy chain 10; plus strand). Cytogenetic location: 12q24.31.
Variant type: single nucleotide variant.
Coding change: c.11766+6C>T on transcript NM_001372106.1 (MANE Select); 6 bases into the intron after coding-DNA position 11766, C replaced by T.
Molecular consequence: intron variant.
Genome position (GRCh38, 1-based): chr12:123,924,438, C>T. VCF-style: chr12-123924438-C-T. GRCh37 (hg19) VCF-style: chr12-124408985-C-T.
Other names: c.11412+6C>T (NM_207437.3).
Identifiers: ClinVar variation 3037980 (VCV003037980.2), dbSNP rs199927036, ClinGen allele CA6865714.

ClinVar aggregate classification (germline): Likely benign (0 of 4 stars; one submission).

Conditions:
DNAH10-related disorder. Also called: DNAH10-related condition.

Allele frequency attached by ClinVar (database versions not stated): ExAC 0.00037; gnomAD 0.00044; TOPMed 0.00045; ESP Exome Variant Server 0.00057; gnomAD exomes 0.00065.
gnomAD v4.1: 996 of 1,607,542 alleles (0.062%); highest among the groups gnomAD compares: Non-Finnish European, 0.077%; no homozygotes.

Submission:

PreventionGenetics, part of Exact Sciences
Classification: Likely benign for DNAH10-related condition. Last evaluated: 2019-04-29. Review status: no assertion criteria provided. Collection method: clinical testing. Allele origin: germline.
Comment: This variant is classified as likely benign based on ACMG/AMP sequence variant interpretation guidelines (Richards et al. 2015 PMID: 25741868, with internal and published modifications).